The following is an entry in ClinVar:

NC_000012.11:g.(?_4479509)_(6235003_?)dup

Genes: AKAP3 (A-kinase anchoring protein 3; minus strand), ANO2 (anoctamin 2; minus strand), DYRK4 (dual specificity tyrosine phosphorylation regulated kinase 4; plus strand), FERRY3 (FERRY endosomal RAB5 effector complex subunit 3; minus strand), FGF23 (fibroblast growth factor 23; minus strand) and 9 more. Cytogenetic location: 12p13.32-13.31.
Variant type: Duplication.
Identifiers: ClinVar variation 998926 (VCV000998926.1).

ClinVar aggregate classification (germline): Uncertain significance (1 of 4 stars; one submission).

Conditions:
Episodic ataxia type 1 (EA1). Also called: MYOKYMIA WITH PERIODIC ATAXIA; PAROXYSMAL ATAXIA WITH NEUROMYOTONIA, HEREDITARY; Episodic ataxia/myokymia syndrome; ATAXIA, EPISODIC, WITH MYOKYMIA. Identifiers: Orphanet 37612, Orphanet 972, MedGen C1719788, MONDO:0008047, OMIM 160120.

Submission:

Labcorp Genetics (formerly Invitae), Labcorp
Classification: Uncertain significance for Episodic ataxia type 1. Last evaluated: 2020-06-09. Review status: criteria provided, single submitter. Criteria: Invitae Variant Classification Sherloc (09022015). Collection method: clinical testing. Allele origin: germline.
Comment: This variant results in a copy number gain of the genomic region encompassing the full coding sequence of the KCNA1 gene. The boundaries of this event are unknown as they extend beyond the assayed region for this gene and therefore may encompass additional genes. As the precise location of this event is unknown, it may be in tandem or it may be located elsewhere in the genome. This variant has not been reported in the literature in individuals with KCNA1-related conditions. Experimental studies are not available for this variant, and the functional significance of a copy number gain of this gene is currently unknown. In summary, the available evidence is currently insufficient to determine the role of this variant in disease. Therefore, it has been classified as a Variant of Uncertain Significance.